The following is an entry in ClinVar:

ClinVar aggregate classification (germline): Pathogenic. Review status: criteria provided, multiple submitters, no conflicts (2 of 4 stars). 2 submissions from 2 submitters: Pathogenic (2). Last evaluated 2025-09-03.

Conditions:
Walker-Warburg congenital muscular dystrophy. Also called: Muscular dystrophy-dystroglycanopathy, type A; Walker-Warburg syndrome. Identifiers: Orphanet 899, MedGen C0265221, MONDO:0000171.

gnomAD v4.1: 5 of 1,606,338 alleles (0.00031%); highest among the groups gnomAD compares: Non-Finnish European, 0.000085%; no homozygotes.

Submissions (2):

Labcorp Genetics (formerly Invitae), Labcorp
Classification: Pathogenic for Walker-Warburg congenital muscular dystrophy. Last evaluated: 2025-09-03. Review status: criteria provided, single submitter. Criteria: Invitae Variant Classification Sherloc (09022015). Collection method: clinical testing. Allele origin: germline.
Comment: This sequence change replaces isoleucine, which is neutral and non-polar, with threonine, which is neutral and polar, at codon 367 of the FKRP protein (p.Ile367Thr). This variant is not present in population databases (gnomAD no frequency). This missense change has been observed in individual(s) with a dystrophinopathy-like phenotype (PMID: 28112097; internal data). In at least one individual the data is consistent with being in trans (on the opposite chromosome) from a pathogenic variant. ClinVar contains an entry for this variant (Variation ID: 459227). Invitae Evidence Modeling of protein sequence and biophysical properties (such as structural, functional, and spatial information, amino acid conservation, physicochemical variation, residue mobility, and thermodynamic stability) indicates that this missense variant is expected to disrupt FKRP protein function with a positive predictive value of 95%. For these reasons, this variant has been classified as Pathogenic.

CeGaT Center for Human Genetics Tuebingen
Classification: Pathogenic. Last evaluated: 2018-05-01. Review status: criteria provided, single submitter. Criteria: CeGaT Center For Human Genetics Tuebingen Variant Classification Criteria Version 2. Collection method: clinical testing. Allele origin: germline. Affected: yes. Observed: 2 variant alleles.

Literature cited by the submitters: PubMed 28112097 (cited by Labcorp Genetics (formerly Invitae), Labcorp).

NM_024301.5(FKRP):c.1100T>C (p.Ile367Thr)

Gene: FKRP (fukutin related protein; plus strand). Cytogenetic location: 19q13.32.
Variant type: single nucleotide variant.
Coding change: c.1100T>C on transcript NM_024301.5 (MANE Select); coding-DNA position 1100, T replaced by C.
Protein change: p.Ile367Thr; replaces isoleucine 367 with threonine.
Molecular consequence: missense variant.
Genome position (GRCh38, 1-based): chr19:46,756,550, T>C. VCF-style: chr19-46756550-T-C. GRCh37 (hg19) VCF-style: chr19-47259807-T-C.
Other names: c.1100T>C, p.Ile367Thr (NM_001039885.3); short protein forms I367T.
Identifiers: ClinVar variation 459227 (VCV000459227.49), dbSNP rs1555739020, ClinGen allele CA406496647.